The following is an entry in ClinVar:

NM_198994.3(TGM6):c.1568G>A (p.Arg523Gln)

Gene: TGM6 (transglutaminase 6; plus strand). Cytogenetic location: 20p13.
Variant type: single nucleotide variant.
Coding change: c.1568G>A on transcript NM_198994.3 (MANE Select); coding-DNA position 1568, G replaced by A.
Protein change: p.Arg523Gln; replaces arginine 523 with glutamine.
Molecular consequence: missense variant.
Genome position (GRCh38, 1-based): chr20:2,417,463, G>A. VCF-style: chr20-2417463-G-A. GRCh37 (hg19) VCF-style: chr20-2398109-G-A.
Other names: c.1568G>A (NM_198994.2); c.1568G>A, p.Arg523Gln (NM_001254734.2); short protein forms R523Q.
Identifiers: ClinVar variation 1902088 (VCV001902088.6), dbSNP rs201204278, ClinGen allele CA9732131.
Genomic context (GRCh38, chr20:2,417,463, plus strand): 5'-AGCCTCCCATGCTGGGCCACGACCTGAGACTGGCCCTGTGCTTGGCCAACCTCACCTCCC[G>A]GGCCCAGCGGGTGAGGGTCAACCTGAGCGGTGCCACCATCCTCTATACCCGCAAGCCAGT-3'
Protein context (NP_945345.2, residues 513-533): LALCLANLTS[Arg523Gln]AQRVRVNLSG

ClinVar aggregate classification (germline): Uncertain significance. Review status: criteria provided, multiple submitters, no conflicts (2 of 4 stars). 2 submissions from 2 submitters: Uncertain significance (2). Last evaluated 2025-08-28.

Conditions:
Inborn genetic diseases. Identifiers: MedGen C0950123, MeSH D030342.

gnomAD v4.1: 12 of 1,610,698 alleles (0.00075%); highest among the groups gnomAD compares: African/African-American, 0.0067%; no homozygotes.

Submissions (2):

Ambry Genetics
Classification: Uncertain significance for Inborn genetic diseases. Last evaluated: 2025-08-28. Review status: criteria provided, single submitter. Criteria: Ambry Variant Classification Scheme 2023. Collection method: clinical testing. Allele origin: germline.

Labcorp Genetics (formerly Invitae), Labcorp
Classification: Uncertain significance. Last evaluated: 2023-08-30. Review status: criteria provided, single submitter. Criteria: Invitae Variant Classification Sherloc (09022015). Collection method: clinical testing. Allele origin: germline.
Comment: ClinVar contains an entry for this variant (Variation ID: 1902088). This sequence change replaces arginine, which is basic and polar, with glutamine, which is neutral and polar, at codon 523 of the TGM6 protein (p.Arg523Gln). This variant is present in population databases (rs201204278, gnomAD 0.007%). This variant has not been reported in the literature in individuals affected with TGM6-related conditions. Advanced modeling of protein sequence and biophysical properties (such as structural, functional, and spatial information, amino acid conservation, physicochemical variation, residue mobility, and thermodynamic stability) performed at Invitae indicates that this missense variant is not expected to disrupt TGM6 protein function. In summary, the available evidence is currently insufficient to determine the role of this variant in disease. Therefore, it has been classified as a Variant of Uncertain Significance.